The following is an entry in ClinVar:

NM_007272.3(CTRC):c.722G>A (p.Arg241Gln)

Gene: CTRC (chymotrypsin C; plus strand). Cytogenetic location: 1p36.21.
Variant type: single nucleotide variant.
Coding change: c.722G>A on transcript NM_007272.3 (MANE Select); coding-DNA position 722, G replaced by A.
Protein change: p.Arg241Gln; replaces arginine 241 with glutamine.
Molecular consequence: missense variant.
Genome position (GRCh38, 1-based): chr1:15,445,679, G>A. VCF-style: chr1-15445679-G-A. GRCh37 (hg19) VCF-style: chr1-15772174-G-A.
Other names: short protein forms R241Q.
Identifiers: ClinVar variation 1757808 (VCV001757808.7), dbSNP rs777436696, ClinGen allele CA613454.

ClinVar aggregate classification (germline): Conflicting classifications of pathogenicity. Review status: criteria provided, conflicting classifications (1 of 4 stars). 2 submissions from 2 submitters: Uncertain significance (1); Likely benign (1). Last evaluated 2025-01-27.

Conditions:
Hereditary pancreatitis (PCTT). Also called: Hereditary chronic pancreatitis; PRSS1-Related Hereditary Pancreatitis. Identifiers: Orphanet 676, MedGen C0238339, MONDO:0008185, OMIM 167800.

Allele frequency attached by ClinVar (database versions not stated): TOPMed below 0.00001; ExAC 0.00001; gnomAD exomes 0.00001; gnomAD 0.00003.

Submissions (2):

Labcorp Genetics (formerly Invitae), Labcorp
Classification: Uncertain significance for Hereditary pancreatitis. Last evaluated: 2025-01-27. Review status: criteria provided, single submitter. Criteria: Invitae Variant Classification Sherloc (09022015). Collection method: clinical testing. Allele origin: germline.
Comment: This sequence change replaces arginine, which is basic and polar, with glutamine, which is neutral and polar, at codon 241 of the CTRC protein (p.Arg241Gln). This variant is present in population databases (rs777436696, gnomAD 0.007%). This variant has not been reported in the literature in individuals affected with CTRC-related conditions. ClinVar contains an entry for this variant (Variation ID: 1757808). Invitae Evidence Modeling of protein sequence and biophysical properties (such as structural, functional, and spatial information, amino acid conservation, physicochemical variation, residue mobility, and thermodynamic stability) indicates that this missense variant is not expected to disrupt CTRC protein function with a negative predictive value of 95%. In summary, the available evidence is currently insufficient to determine the role of this variant in disease. Therefore, it has been classified as a Variant of Uncertain Significance.

Ambry Genetics
Classification: Likely benign for Hereditary pancreatitis. Last evaluated: 2021-05-03. Review status: criteria provided, single submitter. Criteria: Ambry Variant Classification Scheme 2023. Collection method: clinical testing. Allele origin: germline.